The following is an entry in ClinVar:

ClinVar aggregate classification (germline): Benign. Review status: criteria provided, multiple submitters, no conflicts (2 of 4 stars). 7 submissions from 6 submitters: Benign (7). Last evaluated 2026-02-02.

Conditions:
Ehlers-Danlos syndrome, classic type, 1 (EDSCL1). Also called: Ehlers-Danlos syndrome, type 1; Ehlers-Danlos Syndrome, Classic Type, COL5A1-Related; EDS I; EHLERS-DANLOS SYNDROME, GRAVIS TYPE; EHLERS-DANLOS SYNDROME, SEVERE CLASSIC TYPE. Identifiers: MedGen C0268335, MONDO:0019567, OMIM 130000.
Fibromuscular dysplasia, multifocal. Identifiers: MedGen C5543412, MONDO:0859151, OMIM 619329.

Allele frequency attached by ClinVar (database versions not stated): TOPMed 0.00920; 1000 Genomes Project 0.00958; 1000 Genomes Project 30x 0.01046; ESP Exome Variant Server 0.01076.
gnomAD v4.1: 2,620 of 1,613,640 alleles (0.16%); highest among the groups gnomAD compares: African/African-American, 3.1%; 48 homozygotes.

Submissions (7):

Labcorp Genetics (formerly Invitae), Labcorp
Classification: Benign for Ehlers-Danlos syndrome, classic type, 1. Last evaluated: 2026-02-02. Review status: criteria provided, single submitter. Criteria: Invitae Variant Classification Sherloc (09022015). Collection method: clinical testing. Allele origin: germline.

ARUP Laboratories, Molecular Genetics and Genomics, ARUP Laboratories
Classification: Benign. Last evaluated: 2025-02-12. Review status: criteria provided, single submitter. Criteria: ARUP Molecular Germline Variant Investigation Process 2024. Collection method: clinical testing. Allele origin: germline.

Women's Health and Genetics/Laboratory Corporation of America, LabCorp
Classification: Benign. Last evaluated: 2023-07-21. Review status: criteria provided, single submitter. Criteria: LabCorp Variant Classification Summary - May 2015. Collection method: clinical testing. Allele origin: germline.

Genome-Nilou Lab
Classification: Benign for Ehlers-Danlos syndrome, classic type, 1. Last evaluated: 2022-03-15. Review status: criteria provided, single submitter. Criteria: ACMG Guidelines, 2015. Collection method: clinical testing. Allele origin: germline. Affected: no.

Genome-Nilou Lab
Classification: Benign for Fibromuscular dysplasia, multifocal. Last evaluated: 2022-03-15. Review status: criteria provided, single submitter. Criteria: ACMG Guidelines, 2015. Collection method: clinical testing. Allele origin: germline. Affected: no.

GeneDx
Classification: Benign. Last evaluated: 2014-03-26. Review status: criteria provided, single submitter. Criteria: GeneDx Variant Classification (06012015). Collection method: clinical testing. Allele origin: germline. Affected: yes.
Comment: This variant is considered likely benign or benign based on one or more of the following criteria: it is a conservative change, it occurs at a poorly conserved position in the protein, it is predicted to be benign by multiple in silico algorithms, and/or has population frequency not consistent with disease.

PreventionGenetics, part of Exact Sciences
Classification: Benign. Review status: criteria provided, single submitter. Criteria: ACMG Guidelines, 2015. Collection method: clinical testing. Allele origin: germline.

NM_000093.5(COL5A1):c.2800-18C>A

Gene: COL5A1 (collagen type V alpha 1 chain; plus strand). Cytogenetic location: 9q34.3.
Variant type: single nucleotide variant.
Coding change: c.2800-18C>A on transcript NM_000093.5 (MANE Select); 18 bases into the intron before coding-DNA position 2800, C replaced by A.
Molecular consequence: intron variant.
Genome position (GRCh38, 1-based): chr9:134,796,356, C>A. VCF-style: chr9-134796356-C-A. GRCh37 (hg19) VCF-style: chr9-137688202-C-A.
Other names: c.2800-18C>A (NM_001278074.1).
Identifiers: ClinVar variation 136874 (VCV000136874.23), dbSNP rs73664144, ClinGen allele CA290246.
Genomic context (GRCh38, chr9:134,796,356, plus strand): 5'-GATGACGTTGTGGGCCAGAGTCTTTTCATCCAAATAATAACAATCATAAGCTTTTCCCCC[C>A]TCTCCTTCCCTCTCAAGGGCAACTCCGGAGGTGACGGCCCAGCTGGCCCTCCTGGTGAAC-3'